The following is an entry in ClinVar:

NM_000169.3(GLA):c.17dup (p.Glu7fs)

Genes: GLA (galactosidase alpha; minus strand), RPL36A-HNRNPH2 (RPL36A-HNRNPH2 readthrough; plus strand). Cytogenetic location: Xq22.1.
Variant type: Duplication.
Coding change: c.17dup on transcript NM_000169.3 (MANE Select); coding-DNA position 17, one base duplicated (C; older notation c.17dupC).
Protein change: p.Glu7fs; shifts the reading frame from glutamic acid 7.
Molecular consequence: frameshift variant. On other transcripts: non-coding transcript variant (3), intron variant (2).
Genome position (GRCh38, 1-based): chrX:101,407,887, G duplicated on the plus strand (C on the coding strand, the reverse complement: GLA is on the minus strand); the first of 3 consecutive G bases (chrX:101,407,887-101,407,889); duplicating any one gives the same sequence. VCF-style (leftmost placement, unchanged base first): chrX-101407886-T-TG. GRCh37 (hg19) VCF-style: chrX-100662874-T-TG.
Other names: c.17dup, p.Glu7fs (NM_001406749.1, NM_001406747.1, NM_001406748.1); c.301-4047dup (NM_001199973.2); c.178-4047dup (NM_001199974.2); short protein forms E7fs.
Identifiers: ClinVar variation 4871729 (VCV004871729.1).
Genomic context (GRCh38, chrX:101,407,886, plus strand): 5'-GATGTCCCAGGAAACGAGGGCCAGGAAGCGAAGCGCAAGCGCGCAGCCCAGATGTAGTTC[T>TG]GGGTTCCTCAGCTGCATTGTCACGGTGACCGGACAGCATAAATTTCCGCGGGTAACCTGG-3'

ClinVar aggregate classification (germline): Pathogenic (1 of 4 stars; one submission).

Conditions:
Fabry disease. Also called: Fabry's disease; GLA DEFICIENCY; HEREDITARY DYSTOPIC LIPIDOSIS; Ceramide trihexosidosis; Angiokeratoma corporis diffusum; ALPHA-GALACTOSIDASE A DEFICIENCY. Identifiers: Orphanet 324, MedGen C0002986, MONDO:0010526, OMIM 301500, HP:0001071. Disease mechanism: Fabry disease is due to inactivating mutations in the X-linked GLA gene resulting in deficiency of the enzyme Alpha Galactosidase-A., loss of function.

Submission:

North West Genomic Laboratory Hub, Manchester University NHS Foundation Trust
Classification: Pathogenic for Fabry disease. Last evaluated: 2025-11-03. Review status: criteria provided, single submitter. Criteria: ACGS Best Practice Guidelines for Variant Classification in Rare Disease 2024. Collection method: clinical testing. Allele origin: germline. Affected: yes.
Comment: PM2_Mod PP4_Str PVS1_Str